The following is an entry in ClinVar:

ClinVar aggregate classification (germline): Benign (0 of 4 stars; one submission).

Conditions:
PRDM6-related disorder. Also called: PRDM6-related condition.

Submission:

PreventionGenetics, part of Exact Sciences
Classification: Benign for PRDM6-related condition. Last evaluated: 2024-05-02. Review status: no assertion criteria provided. Collection method: clinical testing. Allele origin: germline.
Comment: This variant is classified as benign based on ACMG/AMP sequence variant interpretation guidelines (Richards et al. 2015 PMID: 25741868, with internal and published modifications).

NM_001136239.4(PRDM6):c.153GCC[6] (p.Pro59_Glu60insPro)

Genes: PRDM6 (PR/SET domain 6; plus strand), PRDM6-AS1 (PRDM6 antisense RNA 1; minus strand). Cytogenetic location: 5q23.2.
Variant type: Microsatellite.
Coding change: c.153GCC[6] on transcript NM_001136239.4 (MANE Select); six copies in a row of the 3-base unit GCC starting at c.153; the reference has five copies in a row; one copy, 3 bases duplicated.
Protein change: p.Pro59_Glu60insPro.
Molecular consequence: non-coding transcript variant (on NR_146771.1).
Genome position (GRCh38, 1-based): chr5:123,090,179-123,090,181, GCC duplicated; duplicating any 3 consecutive bases within chr5:123,090,167-123,090,181 gives the same sequence; the position shown is the placement nearest the transcript's 3' end. VCF-style (leftmost placement, unchanged base first): chr5-123090166-A-AGCC. GRCh37 (hg19) VCF-style: chr5-122425861-A-AGCC.
Identifiers: ClinVar variation 3033717 (VCV003033717.2), dbSNP rs563892036, ClinGen allele CA3386297.